The following is an entry in ClinVar:

ClinVar aggregate classification (germline): Pathogenic (1 of 4 stars; one submission).

Submission:

Labcorp Genetics (formerly Invitae), Labcorp
Classification: Pathogenic. Last evaluated: 2022-06-17. Review status: criteria provided, single submitter. Criteria: Invitae Variant Classification Sherloc (09022015). Collection method: clinical testing. Allele origin: germline.
Comment: For these reasons, this variant has been classified as Pathogenic. This variant has not been reported in the literature in individuals affected with MYO7A-related conditions. This variant is not present in population databases (gnomAD no frequency). This sequence change creates a premature translational stop signal (p.Thr1014Argfs*48) in the MYO7A gene. It is expected to result in an absent or disrupted protein product. Loss-of-function variants in MYO7A are known to be pathogenic (PMID: 8900236, 25404053).

Literature cited by the submitters: PubMed 8900236; PubMed 25404053.

NM_000260.4(MYO7A):c.3040del (p.Thr1014fs)

Gene: MYO7A (myosin VIIA; plus strand). Cytogenetic location: 11q13.5.
Variant type: Deletion.
Coding change: c.3040del on transcript NM_000260.4 (MANE Select); coding-DNA position 3040, one base deleted (A; older notation c.3040delA).
Protein change: p.Thr1014fs; shifts the reading frame from threonine 1014.
Molecular consequence: frameshift variant.
Genome position (GRCh38, 1-based): chr11:77,182,086, A deleted. VCF-style (leftmost placement, unchanged base first): chr11-77182085-CA-C. GRCh37 (hg19) VCF-style: chr11-76893131-CA-C.
Other names: c.3040del, p.Thr1014fs (NM_001127180.2); c.3007del, p.Thr1003fs (NM_001369365.1); short protein forms T1014fs, T1003fs.
Identifiers: ClinVar variation 2004244 (VCV002004244.4), dbSNP rs2497222507, ClinGen allele CA2580084974.